The following is an entry in ClinVar:

ClinVar aggregate classification (germline): Uncertain significance. Review status: criteria provided, multiple submitters, no conflicts (2 of 4 stars). 2 submissions from 2 submitters: Uncertain significance (2). Last evaluated 2025-03-23.

Conditions:
PLXNA1-related disorder. Also called: PLXNA1-related condition.

Allele frequency attached by ClinVar (database versions not stated): gnomAD exomes 0.00001.
gnomAD v4.1: 15 of 1,613,570 alleles (0.00093%); highest among the groups gnomAD compares: Non-Finnish European, 0.0012%; no homozygotes.

Submissions (2):

PreventionGenetics, part of Exact Sciences
Classification: Uncertain significance for PLXNA1-related condition. Last evaluated: 2025-03-23. Review status: criteria provided, single submitter. Criteria: ACMG Guidelines, 2015. Collection method: clinical testing. Allele origin: germline.
Comment: The PLXNA1 c.809C>T variant is predicted to result in the amino acid substitution p.Pro270Leu. To our knowledge, this variant has not been reported in the literature. This variant is reported in 0.0018% of alleles in individuals of European (Non-Finnish) descent in gnomAD. At this time, the clinical significance of this variant is uncertain due to the absence of conclusive functional and genetic evidence.

Ambry Genetics
Classification: Uncertain significance. Last evaluated: 2023-02-15. Review status: criteria provided, single submitter. Criteria: Ambry Variant Classification Scheme 2023. Collection method: clinical testing. Allele origin: germline.

NM_032242.4(PLXNA1):c.809C>T (p.Pro270Leu)

Gene: PLXNA1 (plexin A1; plus strand). Cytogenetic location: 3q21.3.
Variant type: single nucleotide variant.
Coding change: c.809C>T on transcript NM_032242.4 (MANE Select); coding-DNA position 809, C replaced by T.
Protein change: p.Pro270Leu; replaces proline 270 with leucine.
Molecular consequence: missense variant.
Genome position (GRCh38, 1-based): chr3:126,989,402, C>T. VCF-style: chr3-126989402-C-T. GRCh37 (hg19) VCF-style: chr3-126708245-C-T.
Other names: short protein forms P270L.
Identifiers: ClinVar variation 2461693 (VCV002461693.3), dbSNP rs1394609958, ClinGen allele CA354372323.
Genomic context (GRCh38, chr3:126,989,402, plus strand): 5'-TCCGCAGCGAGCAGTTTGTCTACTACCTCACGCTGCAGCTAGACACACAGCTGACCTCGC[C>T]TGATGCCGCCGGCGAGCACTTCTTCACGTCCAAGATCGTGCGGCTCTGTGTGGACGACCC-3'
Protein context (NP_115618.3, residues 260-280): TLQLDTQLTS[Pro270Leu]DAAGEHFFTS